The following is an entry in ClinVar:

ClinVar aggregate classification (germline): Likely pathogenic (1 of 4 stars; one submission).

Conditions:
Lynch syndrome 5 (LYNCH5). Also called: Hereditary non-polyposis colorectal cancer, type 5; Colorectal cancer, hereditary nonpolyposis, type 5. Identifiers: Orphanet 144, MedGen C1833477, MONDO:0013710, OMIM 614350. Disease mechanism: loss of function.

Submission:

Juno Genomics, Hangzhou Juno Genomics, Inc
Classification: Likely pathogenic for Lynch syndrome 5. Review status: criteria provided, single submitter. Criteria: ACMG Guidelines, 2015. Collection method: clinical testing. Allele origin: germline.
Comment: Absent from controls (or at extremely low frequency if recessive) in Genome Aggregation Database.;Null variant in a gene where loss of function (LOF) is a known mechanism of disease.

NM_000179.3(MSH6):c.3233dup (p.Ile1079fs)

Gene: MSH6 (mutS homolog 6; plus strand). Cytogenetic location: 2p16.3.
Variant type: Duplication.
Coding change: c.3233dup on transcript NM_000179.3 (MANE Select); coding-DNA position 3233, one base duplicated (T; older notation c.3233dupT).
Protein change: p.Ile1079fs; shifts the reading frame from isoleucine 1079.
Molecular consequence: frameshift variant. On other transcripts: non-coding transcript variant (5), intron variant (1).
Genome position (GRCh38, 1-based): chr2:47,803,480, T duplicated. VCF-style (leftmost placement, unchanged base first): chr2-47803479-G-GT. GRCh37 (hg19) VCF-style: chr2-48030618-G-GT.
Other names: c.2843dup, p.Ile949fs (NM_001281492.2); c.2327dup, p.Ile777fs (NM_001281493.2, NM_001281494.2, NM_001406811.1 and 6 more transcripts); c.3329dup, p.Ile1111fs (NM_001406795.1, NM_001406802.1); c.3233dup, p.Ile1079fs (NM_001406796.1, NM_001406800.1, NM_001406808.1 and 1 more transcripts); c.2936dup, p.Ile980fs (NM_001406797.1, NM_001406801.1, NM_001406805.1 and 10 more transcripts); c.2708dup, p.Ile904fs (NM_001406799.1, NM_001406806.1, NM_001406807.1); c.2369dup, p.Ile791fs (NM_001406803.1); c.3155dup, p.Ile1053fs (NM_001406804.1); and 7 more; short protein forms I1023fs, I1053fs, I1079fs, I1081fs, I1111fs, I28fs, I394fs, I557fs.
Identifiers: ClinVar variation 5019637 (VCV005019637.2).